The following is an entry in ClinVar:

ClinVar aggregate classification (germline): Uncertain significance. Review status: criteria provided, multiple submitters, no conflicts (2 of 4 stars). 4 submissions from 4 submitters: Uncertain significance (4). Last evaluated 2026-09-21.

Conditions:
Cardiovascular phenotype. Identifiers: MedGen CN230736.

Allele frequency attached by ClinVar (database versions not stated): ESP Exome Variant Server 0.00008.
gnomAD v4.1: 2 of 1,614,174 alleles (0.00012%); highest among the groups gnomAD compares: South Asian, 0.0011%; no homozygotes.

Submissions (4):

Molecular Diagnostic Laboratory for Inherited Cardiovascular Disease, Montreal Heart Institute
Classification: Uncertain significance for Cardiovascular phenotype. Last evaluated: 2026-09-21. Review status: criteria provided, single submitter. Criteria: ACMG Guidelines, 2015. Collection method: clinical testing. Allele origin: germline. Affected: yes.
Comment: PM2, BP1

Labcorp Genetics (formerly Invitae), Labcorp
Classification: Uncertain significance. Last evaluated: 2025-08-24. Review status: criteria provided, single submitter. Criteria: Invitae Variant Classification Sherloc (09022015). Collection method: clinical testing. Allele origin: germline.
Comment: This sequence change replaces arginine, which is basic and polar, with glutamine, which is neutral and polar, at codon 1607 of the ALPK3 protein (p.Arg1607Gln). This variant is not present in population databases (gnomAD no frequency). This variant has not been reported in the literature in individuals affected with ALPK3-related conditions. ClinVar contains an entry for this variant (Variation ID: 1703907). Invitae Evidence Modeling of protein sequence and biophysical properties (such as structural, functional, and spatial information, amino acid conservation, physicochemical variation, residue mobility, and thermodynamic stability) indicates that this missense variant is expected to disrupt ALPK3 protein function with a positive predictive value of 80%. In summary, the available evidence is currently insufficient to determine the role of this variant in disease. Therefore, it has been classified as a Variant of Uncertain Significance.

GeneDx
Classification: Uncertain significance. Last evaluated: 2022-02-28. Review status: criteria provided, single submitter. Criteria: GeneDx Variant Classification Process June 2021. Collection method: clinical testing. Allele origin: germline. Affected: yes.
Comment: Has not been previously published as pathogenic or benign to our knowledge; Not observed at significant frequency in large population cohorts (gnomAD); In silico analysis supports that this missense variant does not alter protein structure/function

Ambry Genetics
Classification: Uncertain significance for Cardiovascular phenotype. Last evaluated: 2022-01-26. Review status: criteria provided, single submitter. Criteria: Ambry Variant Classification Scheme 2023. Collection method: clinical testing. Allele origin: germline.
Comment: The p.R1607Q variant (also known as c.4820G>A), located in coding exon 10 of the ALPK3 gene, results from a G to A substitution at nucleotide position 4820. The arginine at codon 1607 is replaced by glutamine, an amino acid with highly similar properties. This amino acid position is highly conserved in available vertebrate species. In addition, this alteration is predicted to be tolerated by in silico analysis. Since supporting evidence is limited at this time, the clinical significance of this alteration remains unclear.

NM_020778.5(ALPK3):c.4214G>A (p.Arg1405Gln)

Gene: ALPK3 (alpha kinase 3; plus strand). Cytogenetic location: 15q25.3.
Variant type: single nucleotide variant.
Coding change: c.4214G>A on transcript NM_020778.5 (MANE Select); coding-DNA position 4214, G replaced by A.
Protein change: p.Arg1405Gln; replaces arginine 1405 with glutamine.
Molecular consequence: missense variant.
Genome position (GRCh38, 1-based): chr15:84,862,719, G>A. VCF-style: chr15-84862719-G-A. GRCh37 (hg19) VCF-style: chr15-85405950-G-A.
Other names: c.4820G>A (NM_020778.4); short protein forms R1405Q.
Identifiers: ClinVar variation 1703907 (VCV001703907.10), dbSNP rs369709289, ClinGen allele CA273631301.